The following is an entry in ClinVar:

NM_138694.4(PKHD1):c.10494A>G (p.Val3498=)

Gene: PKHD1 (PKHD1 ciliary IPT domain containing fibrocystin/polyductin; minus strand). Cytogenetic location: 6p12.3.
Variant type: single nucleotide variant.
Coding change: c.10494A>G on transcript NM_138694.4 (MANE Select); coding-DNA position 10494, A replaced by G.
Protein change: p.Val3498=; no amino-acid change (valine 3498 retained).
Molecular consequence: synonymous variant.
Genome position (GRCh38, 1-based): chr6:51,659,632, T>C on the plus strand (A>G on the coding strand, the complement: PKHD1 is on the minus strand). VCF-style: chr6-51659632-T-C. GRCh37 (hg19) VCF-style: chr6-51524430-T-C.
Other names: p.Val3498=.
Identifiers: ClinVar variation 2000920 (VCV002000920.5), dbSNP rs746342186, ClinGen allele CA3851064.

ClinVar aggregate classification (germline): Likely benign. Review status: criteria provided, multiple submitters, no conflicts (2 of 4 stars). 2 submissions from 2 submitters: Likely benign (2). Last evaluated 2025-06-13.

Conditions:
Autosomal recessive polycystic kidney disease (ARPKD). Also called: AR polycystic kidney disease. Identifiers: Orphanet 731, Orphanet 8378, MedGen C0085548, MeSH D017044, MONDO:0009889.

Allele frequency attached by ClinVar (database versions not stated): TOPMed below 0.00001; ExAC 0.00001; gnomAD 0.00001.
gnomAD v4.1: 9 of 1,613,328 alleles (0.00056%); highest among the groups gnomAD compares: Non-Finnish European, 0.00068%; no homozygotes.

Submissions (2):

Mayo Clinic Laboratories, Mayo Clinic
Classification: Likely benign. Last evaluated: 2025-06-13. Review status: criteria provided, single submitter. Criteria: ACMG Guidelines, 2015. Collection method: clinical testing. Allele origin: germline. Observed: 1 variant allele.
Comment: BP4, BP7

Labcorp Genetics (formerly Invitae), Labcorp
Classification: Likely benign for Autosomal recessive polycystic kidney disease. Last evaluated: 2024-01-21. Review status: criteria provided, single submitter. Criteria: Invitae Variant Classification Sherloc (09022015). Collection method: clinical testing. Allele origin: germline.